The following is an entry in ClinVar:

NM_000169.3(GLA):c.9_19del (p.Arg4fs)

Genes: GLA (galactosidase alpha; minus strand), RPL36A-HNRNPH2 (RPL36A-HNRNPH2 readthrough; plus strand). Cytogenetic location: Xq22.1.
Variant type: Deletion.
Coding change: c.9_19del on transcript NM_000169.3 (MANE Select); coding-DNA positions 9 to 19, 11 bases deleted (GAGGAACCCAG).
Protein change: p.Arg4fs; shifts the reading frame from arginine 4.
Molecular consequence: frameshift variant. On other transcripts: non-coding transcript variant (3), intron variant (2).
Genome position (GRCh38, 1-based): chrX:101,407,885-101,407,895, CTGGGTTCCTC deleted on the plus strand (GAGGAACCCAG on the coding strand, the reverse complement: GLA is on the minus strand). VCF-style (leftmost placement, unchanged base first): chrX-101407884-TCTGGGTTCCTC-T. GRCh37 (hg19) VCF-style: chrX-100662872-TCTGGGTTCCTC-T.
Other names: c.9_19del, p.Arg4fs (NM_001406747.1, NM_001406748.1, NM_001406749.1); c.301-4051_301-4041del (NM_001199973.2); c.178-4051_178-4041del (NM_001199974.2); short protein forms R4fs.
Identifiers: ClinVar variation 4087250 (VCV004087250.2).
Genomic context (GRCh38, chrX:101,407,884, plus strand): 5'-GGGATGTCCCAGGAAACGAGGGCCAGGAAGCGAAGCGCAAGCGCGCAGCCCAGATGTAGT[TCTGGGTTCCTC>T]AGCTGCATTGTCACGGTGACCGGACAGCATAAATTTCCGCGGGTAACCTGGGCTTTTAAG-3'

ClinVar aggregate classification (germline): Pathogenic (1 of 4 stars; one submission).

Conditions:
Fabry disease. Also called: ALPHA-GALACTOSIDASE A DEFICIENCY; ANDERSON-FABRY DISEASE; CERAMIDE TRIHEXOSIDASE DEFICIENCY; GLA DEFICIENCY; HEREDITARY DYSTOPIC LIPIDOSIS; Angiokeratoma corporis diffusum. Identifiers: Orphanet 324, MedGen C0002986, MONDO:0010526, OMIM 301500, HP:0001071. Disease mechanism: Fabry disease is due to inactivating mutations in the X-linked GLA gene resulting in deficiency of the enzyme Alpha Galactosidase-A., loss of function.

Submission:

Genomenon, Inc
Classification: Pathogenic for Fabry disease. Last evaluated: 2026-09-08. Review status: criteria provided, single submitter. Criteria: Genomenon Sequence Variant Interpretation Standards - Updated. Collection method: curation. Allele origin: germline. Affected: yes.
Comment: GLA p.Arg4ThrfsTer23 (c.9_19del) is a frameshift variant that is predicted to introduce a premature termination codon and result in a truncated or absent protein product. This variant has been observed in at least one proband with clinical features consistent with Fabry disease (PMID:36624527). It is absent or not present at a significant frequency in gnomAD. In conclusion, we classify GLA p.Arg4ThrfsTer23 (c.9_19del) as a pathogenic variant.

Literature cited by the submitters: PubMed 36624527.